The following is an entry in ClinVar:

ClinVar aggregate classification (germline): Pathogenic (1 of 4 stars; one submission).

Conditions:
Inborn genetic diseases. Identifiers: MedGen C0950123, MeSH D030342.

Submission:

Ambry Genetics
Classification: Pathogenic for Inborn genetic diseases. Last evaluated: 2026-01-12. Review status: criteria provided, single submitter. Criteria: Ambry Variant Classification Scheme 2023. Collection method: clinical testing. Allele origin: germline.
Comment: The c.4962dupA (p.V1655Sfs*14) alteration, located in exon 18 (coding exon 16) of the KAT6B gene, consists of a duplication of A at position 4962, causing a translational frameshift with a predicted alternate stop codon after 14 amino acids. This variant is not expected to trigger nonsense-mediated mRNA decay, and impacts the last 20% of the protein. However, premature stop codons are typically deleterious in nature, the impacted region is critical for protein function, and a significant portion of the protein is affected (Ambry internal data). This variant was not reported in population-based cohorts in the Genome Aggregation Database (gnomAD). Based on the available evidence, this alteration is classified as pathogenic.

NM_012330.4(KAT6B):c.4962dup (p.Val1655fs)

Gene: KAT6B (lysine acetyltransferase 6B; plus strand). Cytogenetic location: 10q22.2.
Variant type: Duplication.
Coding change: c.4962dup on transcript NM_012330.4 (MANE Select); coding-DNA position 4962, one base duplicated (A; older notation c.4962dupA).
Protein change: p.Val1655fs; shifts the reading frame from valine 1655.
Molecular consequence: frameshift variant.
Genome position (GRCh38, 1-based): chr10:75,029,786, A duplicated. VCF-style (leftmost placement, unchanged base first): chr10-75029785-C-CA. GRCh37 (hg19) VCF-style: chr10-76789543-C-CA.
Other names: c.4413dup, p.Val1472fs (NM_001256468.2, NM_001370138.1); c.4086dup, p.Val1363fs (NM_001256469.2, NM_001370139.1, NM_001370140.1 and 2 more transcripts); c.3924dup, p.Val1309fs (NM_001370132.1); c.3273dup, p.Val1092fs (NM_001370133.1); c.2877dup, p.Val960fs (NM_001370134.1); c.2619dup, p.Val874fs (NM_001370135.1); c.4962dup, p.Val1655fs (NM_001370136.1, NM_001370137.1); c.3897dup, p.Val1300fs (NM_001370143.1, NM_001370144.1); short protein forms V1092fs, V1309fs, V1363fs, V1655fs, V1300fs, V1472fs, V874fs, V960fs.
Identifiers: ClinVar variation 4838861 (VCV004838861.1).
Genomic context (GRCh38, chr10:75,029,785, plus strand): 5'-GTGCCATCTCAGTGCCATCTCTGCAGAACATGGAAACCAGTCCCATGATGGATGTCCCAT[C>CA]AGTTTCAGATCATTCACAGCAAGTCGTAGACAGTGGATTTAGTGACCTGGGCAGTATCGA-3'